The following is an entry in ClinVar:

ClinVar aggregate classification (germline): Pathogenic (1 of 4 stars; one submission).

Submission:

ARUP Laboratories, Molecular Genetics and Genomics, ARUP Laboratories
Classification: Pathogenic. Last evaluated: 2024-02-16. Review status: criteria provided, single submitter. Criteria: ARUP Molecular Germline Variant Investigation Process 2024. Collection method: clinical testing. Allele origin: germline.
Comment: The COL1A1 c.3046-2del variant, to our knowledge, is not reported in the medical literature or gene specific databases. This variant is also absent from the Genome Aggregation Database (v2.1.1), indicating it is not a common polymorphism. This variant disrupts the canonical splice acceptor site of intron 41, which is likely to negatively impact gene function. Other variants impacting the same splice acceptor site (c.3046-2A>G, c.3046-1G>A, c.3046-1G>T) have been reported in individuals affected with osteogenesis imperfecta type I and are considered disease-causing (Hartikka 2004, Marini 2007). Based on available information, the c.3046-2del variant is considered to be pathogenic. References: Hartikka H et al. Lack of correlation between the type of COL1A1 or COL1A2 mutation and hearing loss in osteogenesis imperfecta patients. Hum Mutat. 2004 Aug;24(2):147-54. PMID: 15241796. Marini JC et al. Consortium for osteogenesis imperfecta mutations in the helical domain of type I collagen: regions rich in lethal mutations align with collagen binding sites for integrins and proteoglycans. Hum Mutat. 2007 Mar;28(3):209-21. PMID: 17078022.

NM_000088.4(COL1A1):c.3046-2del

Gene: COL1A1 (collagen type I alpha 1 chain; minus strand). Cytogenetic location: 17q21.33.
Variant type: Deletion.
Coding change: c.3046-2del on transcript NM_000088.4 (MANE Select); the canonical splice acceptor site of the intron before coding-DNA position 3046, one base deleted (A; older notation c.3046-2delA).
Molecular consequence: splice acceptor variant.
Genome position (GRCh38, 1-based): chr17:50,188,797, T deleted on the plus strand (A on the coding strand, the reverse complement: COL1A1 is on the minus strand). VCF-style (leftmost placement, unchanged base first): chr17-50188796-CT-C. GRCh37 (hg19) VCF-style: chr17-48266157-CT-C.
Identifiers: ClinVar variation 3766467 (VCV003766467.1).